The following is an entry in ClinVar:

ClinVar aggregate classification (germline): Uncertain significance (1 of 4 stars; one submission).

Conditions:
Epilepsy, childhood absence, susceptibility to, 1. Also called: Epilepsy, childhood absence 1. Identifiers: Orphanet 64280, MedGen C1838604, MONDO:0020759, OMIM 600131.
Epilepsy, childhood absence, susceptibility to, 5. Identifiers: Orphanet 64280, MedGen C2677087, MONDO:0012843, OMIM 612269.

Submission:

Labcorp Genetics (formerly Invitae), Labcorp
Classification: Uncertain significance for Epilepsy, childhood absence, susceptibility to, 5; Epilepsy, childhood absence, susceptibility to, 1. Last evaluated: 2021-11-19. Review status: criteria provided, single submitter. Criteria: Invitae Variant Classification Sherloc (09022015). Collection method: clinical testing. Allele origin: germline.
Comment: This sequence change creates a premature translational stop signal (p.Asp441Glyfs*33) in the GABRB3 gene. While this is not anticipated to result in nonsense mediated decay, it is expected to disrupt the last 33 amino acid(s) of the GABRB3 protein. This variant is not present in population databases (gnomAD no frequency). In summary, the available evidence is currently insufficient to determine the role of this variant in disease. Therefore, it has been classified as a Variant of Uncertain Significance. Experimental studies and prediction algorithms are not available or were not evaluated, and the functional significance of this variant is currently unknown. This variant has not been reported in the literature in individuals affected with GABRB3-related conditions.

NM_000814.6(GABRB3):c.1321dup (p.Asp441fs)

Gene: GABRB3 (gamma-aminobutyric acid type A receptor subunit beta3; minus strand). Cytogenetic location: 15q12.
Variant type: Duplication.
Coding change: c.1321dup on transcript NM_000814.6 (MANE Select); coding-DNA position 1321, one base duplicated (G; older notation c.1321dupG).
Protein change: p.Asp441fs; shifts the reading frame from aspartic acid 441.
Molecular consequence: frameshift variant.
Genome position (GRCh38, 1-based): chr15:26,547,894, C duplicated on the plus strand (G on the coding strand, the reverse complement: GABRB3 is on the minus strand). VCF-style (leftmost placement, unchanged base first): chr15-26547893-T-TC. GRCh37 (hg19) VCF-style: chr15-26793040-T-TC.
Other names: c.1066dup, p.Asp356fs (NM_001191320.2, NM_001278631.2); c.1108dup, p.Asp370fs (NM_001191321.3); c.1321dup, p.Asp441fs (NM_021912.5); short protein forms D370fs, D441fs, D356fs.
Identifiers: ClinVar variation 1476767 (VCV001476767.6), dbSNP rs2140645222, ClinGen allele CA2573150600.